The following is an entry in ClinVar:

ClinVar aggregate classification (germline): Pathogenic. Review status: reviewed by expert panel (3 of 4 stars). 2 submissions from 2 submitters: Pathogenic (1). 1 of the submissions does not count toward it. Last evaluated 2025-10-17.

Conditions:
Hereditary antithrombin deficiency (AT3D). Also called: Antithrombin deficiency; Thrombophilia due to antithrombin III deficiency; Reduced antithrombin III activity; Antithrombin III deficiency. Identifiers: Orphanet 82, MedGen C0272375, MONDO:0013144, OMIM 613118, HP:0001976.

Submissions (2):

Clingen Thrombosis Variant Curation Expert Panel, ClinGen
Classification: Pathogenic for Hereditary antithrombin deficiency. Last evaluated: 2025-10-17. Review status: reviewed by expert panel. Criteria: ClinGen ACMG Specifications SERPINC1 V1.0.0. Collection method: curation. Allele origin: germline.
Comment: The c.779dup (p.Phe261ValfsTer4) variant in SERPINC1 is a frameshift tandem duplication variant predicted to cause a premature stop codon in biologically-relevant-exon 5/7 leading to nonsense mediated decay in a gene in which loss-of-function is an established disease mechanism (PVS1). This variant has been reported in one family meeting with an antithrombin activity level of < 0.8 IU/mL (PS4_Supporting; PMID:1932746). This variant is absent from gnomAD v4.1.0 (PM2_Supporting). In summary, this variant meets the criteria to be classified as pathogenic for hereditary antithrombin deficiency based on the ACMG/AMP criteria applied, as specified by the ClinGen Thrombosis VCEP: PVS1, PS4_Supporting, PM2_Supporting

OMIM
Classification: Pathogenic for THROMBOPHILIA DUE TO ANTITHROMBIN III DEFICIENCY. Last evaluated: 1991-11-01. Review status: no assertion criteria provided. Collection method: literature only. Allele origin: germline. Not counted in ClinVar's aggregate classification.

Literature cited by the submitters: PubMed 1932746 (cited by OMIM); PubMed 6572945 (cited by OMIM).

NM_000488.4(SERPINC1):c.779dup (p.Phe261fs)

Gene: SERPINC1 (serpin family C member 1; minus strand). Cytogenetic location: 1q25.1.
Variant type: Duplication.
Coding change: c.779dup on transcript NM_000488.4 (MANE Select); coding-DNA position 779, one base duplicated (A; older notation c.779dupA).
Protein change: p.Phe261fs; shifts the reading frame from phenylalanine 261.
Molecular consequence: frameshift variant. On other transcripts: intron variant (1).
Genome position (GRCh38, 1-based): chr1:173,909,926, T duplicated on the plus strand (A on the coding strand, the reverse complement: SERPINC1 is on the minus strand); the first of 3 consecutive T bases (chr1:173,909,926-173,909,928); duplicating any one gives the same sequence. VCF-style (leftmost placement, unchanged base first): chr1-173909925-C-CT. GRCh37 (hg19) VCF-style: chr1-173879063-C-CT.
Other names: NM_000488.4(SERPINC1):c.779dup; p.Phe261fs; c.635dup, p.Phe213fs (NM_001365052.2); c.902dup, p.Phe302fs (NM_001386302.1); c.860dup, p.Phe288fs (NM_001386303.1); c.758dup, p.Phe254fs (NM_001386304.1); c.563dup, p.Phe189fs (NM_001386306.1); c.763-41dup (NM_001386305.1); and 1 more; short protein forms F261fs, F213fs, F189fs, F254fs, F288fs, F302fs.
Identifiers: ClinVar variation 18026 (VCV000018026.3), dbSNP rs1572088837, ClinGen allele CA913184807.
Genomic context (GRCh38, chr1:173,909,925, plus strand): 5'-TGAACACGACTCTCCATCAGCCTTGTAGAACAGTTCCTTCCTTGTGTTCTCAGGGCTGAA[C>CT]TTTGACTTCCACAGGCCCTGGAAGAGAATCACAAAGTAAGAACACAAACATTCATAGGAG-3'